The following is an entry in ClinVar:

ClinVar aggregate classification (germline): Uncertain significance (1 of 4 stars; one submission).

Allele frequency attached by ClinVar (database versions not stated): gnomAD 0.00001; gnomAD exomes 0.00001; ExAC 0.00001; TOPMed 0.00002.
gnomAD v4.1: 6 of 1,614,000 alleles (0.00037%); highest among the groups gnomAD compares: Admixed American, 0.0083%; no homozygotes.

Submission:

Labcorp Genetics (formerly Invitae), Labcorp
Classification: Uncertain significance. Last evaluated: 2025-10-01. Review status: criteria provided, single submitter. Criteria: Invitae Variant Classification Sherloc (09022015). Collection method: clinical testing. Allele origin: germline.
Comment: This sequence change replaces isoleucine, which is neutral and non-polar, with valine, which is neutral and non-polar, at codon 17 of the ANGPT1 protein (p.Ile17Val). This variant is present in population databases (rs757761501, gnomAD 0.01%). This variant has not been reported in the literature in individuals affected with ANGPT1-related conditions. ClinVar contains an entry for this variant (Variation ID: 3015691). An algorithm developed to predict the effect of missense changes on protein structure and function outputs the following: PolyPhen-2: "Benign". The valine amino acid residue is found in multiple mammalian species, which suggests that this missense change does not adversely affect protein function. In summary, the available evidence is currently insufficient to determine the role of this variant in disease. Therefore, it has been classified as a Variant of Uncertain Significance.

NM_001146.5(ANGPT1):c.49A>G (p.Ile17Val)

Gene: ANGPT1 (angiopoietin 1; minus strand). Cytogenetic location: 8q23.1.
Variant type: single nucleotide variant.
Coding change: c.49A>G on transcript NM_001146.5 (MANE Select); coding-DNA position 49, A replaced by G.
Protein change: p.Ile17Val; replaces isoleucine 17 with valine.
Molecular consequence: missense variant.
Genome position (GRCh38, 1-based): chr8:107,497,510, T>C on the plus strand (A>G on the coding strand, the complement: ANGPT1 is on the minus strand). VCF-style: chr8-107497510-T-C. GRCh37 (hg19) VCF-style: chr8-108509738-T-C.
Other names: c.49A>G, p.Ile17Val (NM_001199859.3); short protein forms I17V.
Identifiers: ClinVar variation 3015691 (VCV003015691.3), dbSNP rs757761501, ClinGen allele CA4841454.